The following is an entry in ClinVar:

ClinVar aggregate classification (germline): Benign. Review status: criteria provided, single submitter (1 of 4 stars). 2 submissions from 2 submitters: Benign (1). 1 of the submissions does not count toward it. Last evaluated 2024-09-27.

Conditions:
FREM1-related disorder. Also called: FREM1-Related Disorders; FREM1-related condition.

Allele frequency attached by ClinVar (database versions not stated): TOPMed below 0.00001; gnomAD 0.00007; gnomAD exomes 0.00012; ExAC 0.00030; 1000 Genomes Project 0.00060; 1000 Genomes Project 30x 0.00078.
gnomAD v4.1: 189 of 1,611,966 alleles (0.012%); highest among the groups gnomAD compares: South Asian, 0.2%; 5 homozygotes.

Submissions (2):

Labcorp Genetics (formerly Invitae), Labcorp
Classification: Benign. Last evaluated: 2024-09-27. Review status: criteria provided, single submitter. Criteria: Invitae Variant Classification Sherloc (09022015). Collection method: clinical testing. Allele origin: germline.

PreventionGenetics, part of Exact Sciences
Classification: Likely benign for FREM1-related condition. Last evaluated: 2019-02-22. Review status: no assertion criteria provided. Collection method: clinical testing. Allele origin: germline. Not counted in ClinVar's aggregate classification.
Comment: This variant is classified as likely benign based on ACMG/AMP sequence variant interpretation guidelines (Richards et al. 2015 PMID: 25741868, with internal and published modifications).

NM_001379081.2(FREM1):c.3330G>A (p.Arg1110=)

Gene: FREM1 (FRAS1 related extracellular matrix 1; minus strand). Cytogenetic location: 9p22.3.
Variant type: single nucleotide variant.
Coding change: c.3330G>A on transcript NM_001379081.2 (MANE Select); coding-DNA position 3330, G replaced by A.
Protein change: p.Arg1110=; no amino-acid change (arginine 1110 retained).
Molecular consequence: synonymous variant. On other transcripts: non-coding transcript variant (2).
Genome position (GRCh38, 1-based): chr9:14,805,097, C>T on the plus strand (G>A on the coding strand, the complement: FREM1 is on the minus strand). VCF-style: chr9-14805097-C-T. GRCh37 (hg19) VCF-style: chr9-14805095-C-T.
Other names: c.3330G>A (NM_144966.5); c.3330G>A, p.Arg1110= (NM_144966.7).
Identifiers: ClinVar variation 2889908 (VCV002889908.5), dbSNP rs546375818, ClinGen allele CA4990596.